The following is an entry in ClinVar:

NM_001009944.3(PKD1):c.732C>A (p.Cys244Ter)

Gene: PKD1 (polycystin 1, transient receptor potential channel interacting; minus strand). Cytogenetic location: 16p13.3.
Variant type: single nucleotide variant.
Coding change: c.732C>A on transcript NM_001009944.3 (MANE Select); coding-DNA position 732, C replaced by A.
Protein change: p.Cys244Ter; replaces cysteine 244 with a stop codon.
Molecular consequence: nonsense.
Genome position (GRCh38, 1-based): chr16:2,118,260, G>T on the plus strand (C>A on the coding strand, the complement: PKD1 is on the minus strand). VCF-style: chr16-2118260-G-T. GRCh37 (hg19) VCF-style: chr16-2168261-G-T.
Other names: c.732C>A, p.Cys244Ter (NM_000296.4); short protein forms C244*.
Identifiers: ClinVar variation 5018872 (VCV005018872.1).
Genomic context (GRCh38, chr16:2,118,260, plus strand): 5'-GAGGGTGGGGCCCCTACAGGTGGGGGCAGGAGGTGGCGGGGGGCCGGAGCAGAGGGACAG[G>T]CAGGCAAAGGAGGCACTGGAGGGCTGGGCCGCCCCACACAGGCACCAGCCCTGCTCCGAG-3'

ClinVar aggregate classification (germline): Pathogenic (1 of 4 stars; one submission).

Conditions:
Polycystic kidney disease, adult type (PKD1). Also called: Polycystic Kidney, Autosomal Dominant; POLYCYSTIC KIDNEY DISEASE, ADULT, TYPE I; Polycystic Kidney Disease 1, Autosomal Dominant; Polycystic kidney disease 1; Polycystic kidney disease 1, severe; POLYCYSTIC KIDNEY DISEASE 1 WITH OR WITHOUT POLYCYSTIC LIVER DISEASE. Identifiers: MedGen C3149841, MONDO:0008263, OMIM 173900.

Submission:

Juno Genomics, Hangzhou Juno Genomics, Inc
Classification: Pathogenic for Polycystic kidney disease, adult type. Review status: criteria provided, single submitter. Criteria: ACMG Guidelines, 2015. Collection method: clinical testing. Allele origin: germline. Affected: yes.
Comment: Absent from controls (or at extremely low frequency if recessive) in Genome Aggregation Database.;Null variant in a gene where loss of function (LOF) is a known mechanism of disease.;Patient's phenotype or family history is highly specific for a disease with a single genetic etiology.